The following is an entry in ClinVar:

NM_001122681.2(SH3BP2):c.*7184A>G

Gene: SH3BP2 (SH3 domain binding protein 2; plus strand). Cytogenetic location: 4p16.3.
Variant type: single nucleotide variant.
Coding change: c.*7184A>G on transcript NM_001122681.2 (MANE Select); 7184 bases downstream of the stop codon, A replaced by G.
Molecular consequence: 3 prime UTR variant.
Genome position (GRCh38, 1-based): chr4:2,841,018, A>G. VCF-style: chr4-2841018-A-G. GRCh37 (hg19) VCF-style: chr4-2842745-A-G.
Other names: c.*7184A>G (NM_001145855.2, NM_001145856.2, NM_003023.4).
Identifiers: ClinVar variation 900597 (VCV000900597.4), dbSNP rs113482596, ClinGen allele CA91419789.

ClinVar aggregate classification (germline): Benign (1 of 4 stars; one submission).

Conditions:
Fibrous dysplasia of jaw (CRBM). Also called: Cherubism. Identifiers: Orphanet 184, MedGen C0008029, MONDO:0007315, OMIM 118400.

Allele frequency attached by ClinVar (database versions not stated): 1000 Genomes Project 0.00319; gnomAD 0.00389 and 0.00429; 1000 Genomes Project 30x 0.00406; TOPMed 0.00444.

Submission:

Illumina Laboratory Services, Illumina
Classification: Benign for Fibrous dysplasia of jaw. Last evaluated: 2018-01-13. Review status: criteria provided, single submitter. Criteria: ICSL Variant Classification Criteria 13 December 2019. Collection method: clinical testing. Allele origin: germline.
Comment: This variant was observed in the ICSL laboratory as part of a predisposition screen in an ostensibly healthy population. It had not been previously curated by ICSL or reported in the Human Gene Mutation Database (HGMD: prior to June 1st, 2018), and was therefore a candidate for classification through an automated scoring system. Utilizing variant allele frequency, disease prevalence and penetrance estimates, and inheritance mode, an automated score was calculated to assess if this variant is too frequent to cause the disease. Based on the score and internal cut-off values, a variant classified as benign is not then subjected to further curation. The score for this variant resulted in a classification of benign for this disease.